The following is an entry in ClinVar:

ClinVar aggregate classification (germline): Uncertain significance. Review status: criteria provided, multiple submitters, no conflicts (2 of 4 stars). 2 submissions from 2 submitters: Uncertain significance (2). Last evaluated 2025-08-14.

Conditions:
Congenital muscular dystrophy due to integrin alpha-7 deficiency. Also called: Congenital muscular dystrophy with integrin alpha-7 deficiency; Muscular dystrophy, congenital, due to ITGA7 deficiency; MYOPATHY, CONGENITAL, DUE TO INTEGRIN ALPHA-7 DEFICIENCY. Identifiers: Orphanet 34520, MedGen C2750786, MONDO:0013177, OMIM 613204.

Allele frequency attached by ClinVar (database versions not stated): gnomAD exomes below 0.00001; gnomAD 0.00002; TOPMed 0.00002.
gnomAD v4.1: 4 of 1,613,840 alleles (0.00025%); highest among the groups gnomAD compares: Admixed American, 0.005%; no homozygotes.

Submissions (2):

Ambry Genetics
Classification: Uncertain significance. Last evaluated: 2025-08-14. Review status: criteria provided, single submitter. Criteria: Ambry Variant Classification Scheme 2023. Collection method: clinical testing. Allele origin: germline.

Labcorp Genetics (formerly Invitae), Labcorp
Classification: Uncertain significance for Congenital muscular dystrophy due to integrin alpha-7 deficiency. Last evaluated: 2019-09-19. Review status: criteria provided, single submitter. Criteria: Invitae Variant Classification Sherloc (09022015). Collection method: clinical testing. Allele origin: germline.
Comment: In summary, the available evidence is currently insufficient to determine the role of this variant in disease. Therefore, it has been classified as a Variant of Uncertain Significance. Algorithms developed to predict the effect of missense changes on protein structure and function are either unavailable or do not agree on the potential impact of this missense change (SIFT: "Deleterious"; PolyPhen-2: "Probably Damaging"; Align-GVGD: "Class C0"). This variant has not been reported in the literature in individuals with ITGA7-related conditions. This variant is not present in population databases (ExAC no frequency). This sequence change replaces proline with leucine at codon 897 of the ITGA7 protein (p.Pro897Leu). The proline residue is highly conserved and there is a moderate physicochemical difference between proline and leucine.

NM_002206.3(ITGA7):c.2690C>T (p.Pro897Leu)

Gene: ITGA7 (integrin subunit alpha 7; minus strand). Cytogenetic location: 12q13.2.
Variant type: single nucleotide variant.
Coding change: c.2690C>T on transcript NM_002206.3 (MANE Select); coding-DNA position 2690, C replaced by T.
Protein change: p.Pro897Leu; replaces proline 897 with leucine.
Molecular consequence: missense variant.
Genome position (GRCh38, 1-based): chr12:55,693,163, G>A on the plus strand (C>T on the coding strand, the complement: ITGA7 is on the minus strand). VCF-style: chr12-55693163-G-A. GRCh37 (hg19) VCF-style: chr12-56086947-G-A.
Other names: c.2702C>T, p.Pro901Leu (NM_001144996.2); c.2411C>T, p.Pro804Leu (NM_001144997.2); c.2363C>T, p.Pro788Leu (NM_001367993.1); c.1346C>T, p.Pro449Leu (NM_001367994.1); c.2672C>T, p.Pro891Leu (NM_001374465.1); c.2822C>T, p.Pro941Leu (NM_001410977.1); c.2684C>T, p.Pro895Leu (NM_001414029.1); c.2615C>T, p.Pro872Leu (NM_001414030.1); and 5 more; short protein forms P901L, P804L, P449L, P788L, P897L, P891L, P941L, P857L.
Identifiers: ClinVar variation 942207 (VCV000942207.10), dbSNP rs1305196493, ClinGen allele CA385181509.